The following is an entry in ClinVar:

ClinVar aggregate classification (germline): Uncertain significance (1 of 4 stars; one submission).

Conditions:
Hereditary cancer-predisposing syndrome. Also called: Neoplastic Syndromes, Hereditary; Tumor predisposition; Hereditary neoplastic syndrome; Hereditary Cancer Syndrome. Identifiers: Orphanet 140162, MedGen C0027672, MeSH D009386, MONDO:0015356.

Submission:

Ambry Genetics
Classification: Uncertain significance for Hereditary cancer-predisposing syndrome. Last evaluated: 2021-07-09. Review status: criteria provided, single submitter. Criteria: Ambry Variant Classification Scheme 2023. Collection method: clinical testing. Allele origin: germline.
Comment: The c.8632+1365C>T intronic alteration consists of a C to T substitution 365 nucleotides after coding exon 19 in the BRCA2 gene. Based on insufficient or conflicting evidence, the clinical significance of this alteration remains unclear.

NM_000059.4(BRCA2):c.8632+1365C>T

Gene: BRCA2 (BRCA2 DNA repair associated; plus strand). Cytogenetic location: 13q13.1.
Variant type: single nucleotide variant.
Coding change: c.8632+1365C>T on transcript NM_000059.4 (MANE Select); 1365 bases into the intron after coding-DNA position 8632, C replaced by T.
Molecular consequence: intron variant.
Genome position (GRCh38, 1-based): chr13:32,372,465, C>T. VCF-style: chr13-32372465-C-T. GRCh37 (hg19) VCF-style: chr13-32946602-C-T.
Other names: c.8632+1365C>T (NM_001406720.1); c.8536+1365C>T (NM_001406719.1); c.3700+1365C>T (NM_001406721.1); c.2215+1365C>T (NM_001406722.1).
Identifiers: ClinVar variation 3134939 (VCV003134939.1), dbSNP rs2548551430, ClinGen allele CA2825002157.